The following is an entry in ClinVar:

NM_001347721.2(DYRK1A):c.2069A>G (p.Asp690Gly)

Gene: DYRK1A (dual specificity tyrosine phosphorylation regulated kinase 1A; plus strand). Cytogenetic location: 21q22.13.
Variant type: single nucleotide variant.
Coding change: c.2069A>G on transcript NM_001347721.2 (MANE Select); coding-DNA position 2069, A replaced by G.
Protein change: p.Asp690Gly; replaces aspartic acid 690 with glycine.
Molecular consequence: missense variant. On other transcripts: 3 prime UTR variant (2).
Genome position (GRCh38, 1-based): chr21:37,512,335, A>G. VCF-style: chr21-37512335-A-G. GRCh37 (hg19) VCF-style: chr21-38884638-A-G.
Other names: c.2069A>G, p.Asp690Gly (NM_001347722.2, NM_130436.2); c.1982A>G, p.Asp661Gly (NM_001347723.2); c.2096A>G, p.Asp699Gly (NM_001396.5); c.*472A>G (NM_101395.2); c.*381A>G (NM_130438.2); short protein forms D690G, D699G, D661G.
Identifiers: ClinVar variation 2772565 (VCV002772565.3), dbSNP rs2518097638, ClinGen allele CA409940606.

ClinVar aggregate classification (germline): Uncertain significance (1 of 4 stars; one submission).

Conditions:
DYRK1A-related intellectual disability syndrome (MRD7). Also called: DYRK1A Syndrome; Intellectual developmental disorder, autosomal dominant 7. Identifiers: Orphanet 464306, MedGen C5568143, MONDO:0013578, OMIM 614104.

Submission:

Labcorp Genetics (formerly Invitae), Labcorp
Classification: Uncertain significance for DYRK1A-related intellectual disability syndrome. Last evaluated: 2023-10-29. Review status: criteria provided, single submitter. Criteria: Invitae Variant Classification Sherloc (09022015). Collection method: clinical testing. Allele origin: germline.
Comment: This sequence change replaces aspartic acid, which is acidic and polar, with glycine, which is neutral and non-polar, at codon 699 of the DYRK1A protein (p.Asp699Gly). This variant is not present in population databases (gnomAD no frequency). This variant has not been reported in the literature in individuals affected with DYRK1A-related conditions. An algorithm developed to predict the effect of missense changes on protein structure and function (PolyPhen-2) suggests that this variant is likely to be tolerated. In summary, the available evidence is currently insufficient to determine the role of this variant in disease. Therefore, it has been classified as a Variant of Uncertain Significance.